The following is an entry in ClinVar:

NM_005886.3(KATNB1):c.1429C>T (p.Pro477Ser)

Gene: KATNB1 (katanin regulatory subunit B1; plus strand). Cytogenetic location: 16q21.
Variant type: single nucleotide variant.
Coding change: c.1429C>T on transcript NM_005886.3 (MANE Select); coding-DNA position 1429, C replaced by T.
Protein change: p.Pro477Ser; replaces proline 477 with serine.
Molecular consequence: missense variant.
Genome position (GRCh38, 1-based): chr16:57,755,357, C>T. VCF-style: chr16-57755357-C-T. GRCh37 (hg19) VCF-style: chr16-57789269-C-T.
Other names: short protein forms P477S.
Identifiers: ClinVar variation 2179273 (VCV002179273.1), dbSNP rs139943151, ClinGen allele CA8081224.

ClinVar aggregate classification (germline): Uncertain significance (1 of 4 stars; one submission).

Allele frequency attached by ClinVar (database versions not stated): ExAC 0.00003; TOPMed 0.00004; gnomAD 0.00006; ESP Exome Variant Server 0.00008; gnomAD exomes 0.00009.
gnomAD v4.1: 136 of 1,613,116 alleles (0.0084%); highest among the groups gnomAD compares: Non-Finnish European, 0.011%; no homozygotes.

Submission:

Labcorp Genetics (formerly Invitae), Labcorp
Classification: Uncertain significance. Last evaluated: 2022-06-02. Review status: criteria provided, single submitter. Criteria: Invitae Variant Classification Sherloc (09022015). Collection method: clinical testing. Allele origin: germline.
Comment: This sequence change replaces proline, which is neutral and non-polar, with serine, which is neutral and polar, at codon 477 of the KATNB1 protein (p.Pro477Ser). This variant is present in population databases (rs139943151, gnomAD 0.006%). This variant has not been reported in the literature in individuals affected with KATNB1-related conditions. Advanced modeling of protein sequence and biophysical properties (such as structural, functional, and spatial information, amino acid conservation, physicochemical variation, residue mobility, and thermodynamic stability) performed at Invitae indicates that this missense variant is not expected to disrupt KATNB1 protein function. In summary, the available evidence is currently insufficient to determine the role of this variant in disease. Therefore, it has been classified as a Variant of Uncertain Significance.